The following continues an entry in ClinVar:

NM_000020.3(ACVRL1):c.1232G>A (p.Arg411Gln)

Gene: ACVRL1. ClinVar aggregate classification (germline): Pathogenic. Pathogenic (1).

Submissions 9 to 17 of 17:

Ambry Genetics
Classification: Pathogenic for Cardiovascular phenotype. Last evaluated: 2022-10-19. Review status: criteria provided, single submitter. Criteria: Ambry Variant Classification Scheme 2023. Collection method: clinical testing. Allele origin: germline. Not counted in ClinVar's aggregate classification.
Comment: The p.R411Q pathogenic mutation (also known as c.1232G>A), located in coding exon 7 of the ACVRL1 gene, results from a G to A substitution at nucleotide position 1232. The arginine at codon 411 is replaced by glutamine, an amino acid with highly similar properties.This mutation has been detected in multiple individuals with a clinical diagnosis of hereditary hemorrhagic telangiectasia (HHT) (Gedge F et al. J Molec Diag. 2007;9(2):258-265; T&oslash;rring PM et al. PLoS ONE, 2014 Mar;9:e90272), including an individual with a history of pulmonary hypertension (Harrison RE et al. J. Med. Genet., 2003 Dec;40:865-71). This amino acid position is located in the intracellular kinase domain, and a functional study found that p.R411Q interferes with downstream signaling activity of the protein (Ricard N et al. Blood. 2010: 116(9):1604-12). This variant is considered to be rare based on population cohorts in the Genome Aggregation Database (gnomAD). Two additional disease causing alterations have been described at the same codon, p.R411P and p.R411W (Gedge F et al. J Molec Diag. 2007;9(2):258-265; Trembath RC et al. N. Engl. J. Med., 2001 Aug;345:325-34). Based on the supporting evidence, this alteration is interpreted as a disease-causing mutation.

Clinical Genetics Laboratory, Skane University Hospital Lund
Classification: Pathogenic. Last evaluated: 2022-05-27. Review status: criteria provided, single submitter. Criteria: ACMG Guidelines, 2015. Collection method: clinical testing. Allele origin: germline. Affected: yes. Not counted in ClinVar's aggregate classification.

Victorian Clinical Genetics Services, Murdoch Childrens Research Institute
Classification: Pathogenic for Telangiectasia, hereditary hemorrhagic, type 2. Last evaluated: 2020-06-11. Review status: criteria provided, single submitter. Criteria: ACMG Guidelines, 2015. Collection method: clinical testing. Allele origin: germline. Inheritance: Autosomal dominant inheritance. Affected: yes. Not counted in ClinVar's aggregate classification.
Comment: Based on the classification scheme VCGS_Germline_v1.1.1, this variant is classified as Pathogenic. Following criteria are met: 0102 - Loss-of-function is a known mechanism of disease for this gene. (N) 0107 - This gene is known to be associated with autosomal dominant disease. (N) 0200 - Variant is predicted to result in a missense amino acid change from an arginine to a glutamine (exon 8). (N) 0251 - Variant is heterozygous. (N) 0302 - Variant is present in gnomAD <0.001 for a dominant condition (2 heterozygotes, 0 homozygotes). (P) 0501 - Missense variant consistently predicted to be damaging by multiple in silico tools or highly conserved with a major amino acid change. (P) 0601 - Variant affects at least one well-established (essential) functional domain or motif. This variant at residue 411 was shown to be essential for the function of the kinase domain (PMID: 20501893). (P) 0701 - Comparable variants have very strong previous evidence for pathogenicity. Alternate changes at the same residue, to tryptophan and proline, have previously been reported in multiple patients with HHT (ClinVar, HGMD, LOVD, PMID: 15024723). (P) 0801 - Strong previous evidence of pathogenicity in unrelated individuals. The variant has previously been classified as pathogenic and reported in multiple patients with HHT (ClinVar, HGMD, LOVD, PMID: 8640225, PMID: 31400083). (P) 0901 - Strong evidence for segregation with disease. The variant has been reported to segregate with disease in HHT families (PMID: 8640225, PMID: 31400083). (P) 1002 - Moderate functional evidence supporting abnormal protein function. Functional studies in transfected cells demonstrated that the variant resulted in a reduced ability of ACVRL1 to bind its ligand BMP9 (PMID: 20501893). (P) 1102 - Strong phenotype match. (P) 1208 - Inheritance information for this variant is not currently available. (N) Legend: (P) - Pathogenic, (N) - Neutral, (B) - Benign

CeGaT Center for Human Genetics Tuebingen
Classification: Pathogenic. Last evaluated: 2020-03-01. Review status: criteria provided, single submitter. Criteria: CeGaT Center For Human Genetics Tuebingen Variant Classification Criteria Version 2. Collection method: clinical testing. Allele origin: germline. Affected: yes. Observed: 4 variant alleles. Not counted in ClinVar's aggregate classification.

Laboratory of Medical Genetics, National & Kapodistrian University of Athens
Classification: Pathogenic for Telangiectasia, hereditary hemorrhagic, type 2. Last evaluated: 2018-11-20. Review status: criteria provided, single submitter. Criteria: ACMG Guidelines, 2015. Collection method: clinical testing. Allele origin: de novo. Affected: yes. Not counted in ClinVar's aggregate classification.
Comment: PM1, PM5, PP2, PP3, PP4, PP5

Fulgent Genetics
Classification: Pathogenic for Telangiectasia, hereditary hemorrhagic, type 2. Last evaluated: 2018-10-31. Review status: criteria provided, single submitter. Criteria: ACMG Guidelines, 2015. Collection method: clinical testing. Allele origin: unknown. Not counted in ClinVar's aggregate classification.

NIHR Bioresource Rare Diseases, University of Cambridge
Classification: Likely pathogenic for Telangiectasia, hereditary hemorrhagic, type 2. Last evaluated: 2018-01-01. Review status: criteria provided, single submitter. Criteria: ACMG Guidelines, 2015. Collection method: research. Allele origin: unknown. Affected: yes. Observed: 1 variant allele. Not counted in ClinVar's aggregate classification.
Comment: PS3+PM2+PP4+PP5

OMIM
Classification: Pathogenic for TELANGIECTASIA, HEREDITARY HEMORRHAGIC, TYPE 2. Last evaluated: 2004-04-01. Review status: no assertion criteria provided. Collection method: literature only. Allele origin: germline. Not counted in ClinVar's aggregate classification.

OMIM
Classification: Pathogenic for PULMONARY ARTERIAL HYPERTENSION, HEREDITARY HEMORRHAGIC TELANGIECTASIA-RELATED. Last evaluated: 2004-04-01. Review status: no assertion criteria provided. Collection method: literature only. Allele origin: germline. Not counted in ClinVar's aggregate classification.

Literature cited by the submitters: PubMed 8640225 (cited by 5 submitters); PubMed 15024723 (cited by 5 submitters); PubMed 20414677 (cited by Labcorp Genetics (formerly Invitae), Labcorp); PubMed 23805858 (cited by Labcorp Genetics (formerly Invitae), Labcorp and 3billion); PubMed 14684682 (cited by 4 submitters); PubMed 20501893 (cited by 4 submitters); PubMed 11484689 (cited by 3 submitters); PubMed 16282348 (cited by Mayo Clinic Laboratories, Mayo Clinic); PubMed 18159113 (cited by Mayo Clinic Laboratories, Mayo Clinic); PubMed 29743074 (cited by Mayo Clinic Laboratories, Mayo Clinic); PubMed 31630786 (cited by Mayo Clinic Laboratories, Mayo Clinic); PubMed 32300199 (cited by Mayo Clinic Laboratories, Mayo Clinic); PubMed 32503579 (cited by Mayo Clinic Laboratories, Mayo Clinic); PubMed 32573726 (cited by Mayo Clinic Laboratories, Mayo Clinic and NIHR Bioresource Rare Diseases, University of Cambridge); PubMed 33201366 (cited by Mayo Clinic Laboratories, Mayo Clinic); PubMed 34008892 (cited by Mayo Clinic Laboratories, Mayo Clinic); PubMed 34872578 (cited by Mayo Clinic Laboratories, Mayo Clinic); PubMed 24603890 (cited by Ambry Genetics); PubMed 31400083 (cited by Victorian Clinical Genetics Services, Murdoch Childrens Research Institute).